The following is an entry in ClinVar:

NM_001126108.2(SLC12A3):c.1601A>G (p.Asn534Ser)

Gene: SLC12A3 (solute carrier family 12 member 3; plus strand). Cytogenetic location: 16q13.
Variant type: single nucleotide variant.
Coding change: c.1601A>G on transcript NM_001126108.2 (MANE Select); coding-DNA position 1601, A replaced by G.
Protein change: p.Asn534Ser; replaces asparagine 534 with serine.
Molecular consequence: missense variant.
Genome position (GRCh38, 1-based): chr16:56,882,429, A>G. VCF-style: chr16-56882429-A-G. GRCh37 (hg19) VCF-style: chr16-56916341-A-G.
Other names: c.1601A>G, p.Asn534Ser (NM_000339.3); c.1598A>G, p.Asn533Ser (NM_001126107.2); short protein forms N534S, N533S.
Identifiers: ClinVar variation 1479305 (VCV001479305.7), dbSNP rs780433336, ClinGen allele CA281503336.

ClinVar aggregate classification (germline): Conflicting classifications of pathogenicity. Review status: criteria provided, conflicting classifications (1 of 4 stars). 2 submissions from 2 submitters: Likely pathogenic (1); Uncertain significance (1). Last evaluated 2023-12-22.

Conditions:
Familial hypokalemia-hypomagnesemia (GTLMNS). Also called: HYPOMAGNESEMIA-HYPOKALEMIA, PRIMARY RENOTUBULAR, WITH HYPOCALCIURIA; POTASSIUM AND MAGNESIUM DEPLETION; gitelman syndrome. Identifiers: Orphanet 358, MedGen C0268450, MONDO:0009904, OMIM 263800.

Allele frequency attached by ClinVar (database versions not stated): gnomAD 0.00002; gnomAD exomes 0.00003 and below 0.00001; TOPMed 0.00001.
gnomAD v4.1: 46 of 1,613,774 alleles (0.0029%); highest among the groups gnomAD compares: Non-Finnish European, 0.0038%; no homozygotes.

Submissions (2):

Fulgent Genetics
Classification: Likely pathogenic for Familial hypokalemia-hypomagnesemia. Last evaluated: 2023-12-22. Review status: criteria provided, single submitter. Criteria: ACMG Guidelines, 2015. Collection method: clinical testing. Allele origin: germline.

Labcorp Genetics (formerly Invitae), Labcorp
Classification: Uncertain significance. Last evaluated: 2022-04-28. Review status: criteria provided, single submitter. Criteria: Invitae Variant Classification Sherloc (09022015). Collection method: clinical testing. Allele origin: germline.
Comment: This sequence change replaces asparagine, which is neutral and polar, with serine, which is neutral and polar, at codon 534 of the SLC12A3 protein (p.Asn534Ser). This variant is present in population databases (rs780433336, gnomAD 0.004%). This missense change has been observed in individual(s) with Gitelman syndrome (PMID: 22009145). Advanced modeling of protein sequence and biophysical properties (such as structural, functional, and spatial information, amino acid conservation, physicochemical variation, residue mobility, and thermodynamic stability) performed at Invitae indicates that this missense variant is not expected to disrupt SLC12A3 protein function. Algorithms developed to predict the effect of sequence changes on RNA splicing suggest that this variant may disrupt the consensus splice site. In summary, the available evidence is currently insufficient to determine the role of this variant in disease. Therefore, it has been classified as a Variant of Uncertain Significance.

Literature cited by the submitters: PubMed 22009145 (cited by Labcorp Genetics (formerly Invitae), Labcorp).